The following is an entry in ClinVar:

ClinVar aggregate classification (germline): Pathogenic. Review status: criteria provided, multiple submitters, no conflicts (2 of 4 stars). 3 submissions from 3 submitters: Pathogenic (3). Last evaluated 2024-09-24.

Conditions:
Polycystic kidney disease, adult type (PKD1). Also called: POLYCYSTIC KIDNEY DISEASE 1 WITH OR WITHOUT POLYCYSTIC LIVER DISEASE; POLYCYSTIC KIDNEY DISEASE, ADULT, TYPE I; Polycystic Kidney Disease 1, Autosomal Dominant; Polycystic kidney disease 1; Polycystic kidney disease 1, severe; Polycystic Kidney, Autosomal Dominant. Identifiers: MedGen C3149841, MONDO:0008263, OMIM 173900.

Submissions (3):

Women's Health and Genetics/Laboratory Corporation of America, LabCorp
Classification: Pathogenic for Polycystic kidney disease, adult type. Last evaluated: 2024-09-24. Review status: criteria provided, single submitter. Criteria: LabCorp Variant Classification Summary - May 2015. Collection method: clinical testing. Allele origin: germline.
Comment: Variant summary: PKD1 c.5637C>A (p.Tyr1879X) results in a premature termination codon, predicted to cause a truncation of the encoded protein or absence of the protein due to nonsense mediated decay, which are commonly known mechanisms for disease. The variant was absent in 244904 control chromosomes. To our knowledge, no occurrence of c.5637C>A in individuals affected with Polycystic Kidney Disease 1 and no experimental evidence demonstrating its impact on protein function have been reported. ClinVar contains an entry for this variant (Variation ID: 1030954). Based on the evidence outlined above, the variant was classified as pathogenic.

Department of Pathology and Laboratory Medicine, Sinai Health System
Classification: Pathogenic for Polycystic kidney disease, adult type. Last evaluated: 2020-08-07. Review status: criteria provided, single submitter. Criteria: ACMG Guidelines, 2015. Collection method: clinical testing. Allele origin: germline. Affected: yes.

Baylor Genetics
Classification: Pathogenic for Polycystic kidney disease, adult type. Last evaluated: 2020-04-17. Review status: criteria provided, single submitter. Criteria: ACMG Guidelines, 2015. Collection method: clinical testing. Allele origin: unknown. Affected: yes.
Comment: This variant was determined to be pathogenic according to ACMG Guidelines, 2015 [PMID:25741868].

NM_001009944.3(PKD1):c.5637C>A (p.Tyr1879Ter)

Gene: PKD1 (polycystin 1, transient receptor potential channel interacting; minus strand). Cytogenetic location: 16p13.3.
Variant type: single nucleotide variant.
Coding change: c.5637C>A on transcript NM_001009944.3 (MANE Select); coding-DNA position 5637, C replaced by A.
Protein change: p.Tyr1879Ter; replaces tyrosine 1879 with a stop codon.
Molecular consequence: nonsense.
Genome position (GRCh38, 1-based): chr16:2,109,530, G>T on the plus strand (C>A on the coding strand, the complement: PKD1 is on the minus strand). VCF-style: chr16-2109530-G-T. GRCh37 (hg19) VCF-style: chr16-2159531-G-T.
Other names: c.5637C>A, p.Tyr1879Ter (NM_000296.4); short protein forms Y1879*.
Identifiers: ClinVar variation 1030954 (VCV001030954.3), dbSNP rs2092447380, ClinGen allele CA394376066.
Genomic context (GRCh38, chr16:2,109,530, plus strand): 5'-CACCACCTTGCTGCTGGCCCACAGCACCAGGCCCACGATGGGCTCCTCCGCCGTGAGGTT[G>T]TACGTGGCTGAGACCCAGCTGACTGCGTTGGAGGCATTGAGCCGGATGGAGAAGGTGCCA-3'